The following is an entry in ClinVar:

NM_004247.4(EFTUD2):c.1344G>A (p.Lys448=)

Gene: EFTUD2 (elongation factor Tu GTP binding domain containing 2; minus strand). Cytogenetic location: 17q21.31.
Variant type: single nucleotide variant.
Coding change: c.1344G>A on transcript NM_004247.4 (MANE Select); coding-DNA position 1344, G replaced by A.
Protein change: p.Lys448=; no amino-acid change (lysine 448 retained).
Molecular consequence: synonymous variant.
Genome position (GRCh38, 1-based): chr17:44,863,724, C>T on the plus strand (G>A on the coding strand, the complement: EFTUD2 is on the minus strand). VCF-style: chr17-44863724-C-T. GRCh37 (hg19) VCF-style: chr17-42941092-C-T.
Other names: c.1344G>A (NM_004247.3); c.1239G>A, p.Lys413= (NM_001142605.2); c.1344G>A, p.Lys448= (NM_001258353.2); c.1314G>A, p.Lys438= (NM_001258354.2).
Identifiers: ClinVar variation 1660976 (VCV001660976.10), dbSNP rs142657752, ClinGen allele CA8607806.
Genomic context (GRCh38, chr17:44,863,724, plus strand): 5'-ACAGTCACTCATAGCCTCGCCGAGGTCGGAGTCCACACCACCGGTGTAGGTGTGCTCAAT[C>T]TTGGGCTTGGCGCCCACCTTTGGAGAAGGGATATGCTGCACACACATGTCCACAAAGCCT-3'
Protein context (NP_004238.3, residues 438-458): IPSPKVGAKP[Lys448=]IEHTYTGGVD

ClinVar aggregate classification (germline): Likely benign. Review status: criteria provided, single submitter (1 of 4 stars). 2 submissions from 2 submitters: Likely benign (1). 1 of the submissions does not count toward it. Last evaluated 2021-05-14.

Conditions:
EFTUD2-related disorder. Also called: EFTUD2-related condition.

Allele frequency attached by ClinVar (database versions not stated): gnomAD 0.00001 and 0.00002; gnomAD exomes 0.00002; TOPMed 0.00004; ExAC 0.00005; ESP Exome Variant Server 0.00015.
gnomAD v4.1: 31 of 1,614,056 alleles (0.0019%); highest among the groups gnomAD compares: Non-Finnish European, 0.0024%; no homozygotes.

Submissions (2):

Labcorp Genetics (formerly Invitae), Labcorp
Classification: Likely benign. Last evaluated: 2021-05-14. Review status: criteria provided, single submitter. Criteria: Invitae Variant Classification Sherloc (09022015). Collection method: clinical testing. Allele origin: germline.

PreventionGenetics, part of Exact Sciences
Classification: Likely benign for EFTUD2-related condition. Last evaluated: 2021-10-18. Review status: no assertion criteria provided. Collection method: clinical testing. Allele origin: germline. Not counted in ClinVar's aggregate classification.
Comment: This variant is classified as likely benign based on ACMG/AMP sequence variant interpretation guidelines (Richards et al. 2015 PMID: 25741868, with internal and published modifications).